The following is an entry in ClinVar:

ClinVar aggregate classification (germline): Conflicting classifications of pathogenicity. Review status: criteria provided, conflicting classifications (1 of 4 stars). 4 submissions from 4 submitters: Uncertain significance (1); Benign (1); Likely benign (2). Last evaluated 2026-07-08.

Conditions:
Hereditary cancer-predisposing syndrome. Also called: Tumor predisposition; Neoplastic Syndromes, Hereditary; Hereditary Cancer Syndrome; Hereditary neoplastic syndrome. Identifiers: Orphanet 140162, MedGen C0027672, MeSH D009386, MONDO:0015356.
Intellectual disability, autosomal dominant 16 (CSS4). Also called: COFFIN-SIRIS SYNDROME 4. Identifiers: Orphanet 1465, MedGen C3553249, MONDO:0013821, OMIM 614609.
Rhabdoid tumor predisposition syndrome 2 (RTPS2). Identifiers: Orphanet 231108, Orphanet 69077, MedGen C2750074, MONDO:0013224, OMIM 613325.

Allele frequency attached by ClinVar (database versions not stated): gnomAD exomes 0.00001; TOPMed 0.00003; gnomAD 0.00004 and 0.00003; ExAC 0.00002; ESP Exome Variant Server 0.00008.

Submissions (4):

Myriad Genetics, Inc.
Classification: Benign for Rhabdoid tumor predisposition syndrome 2. Last evaluated: 2026-07-08. Review status: criteria provided, single submitter. Criteria: Myriad Autosomal Dominant, Autosomal Recessive and X-Linked Classification Criteria (2023). Collection method: clinical testing. Allele origin: unknown.
Comment: This variant is considered benign. This variant is a silent/synonymous amino acid change and it is not expected to impact splicing.

Labcorp Genetics (formerly Invitae), Labcorp
Classification: Likely benign for Rhabdoid tumor predisposition syndrome 2. Last evaluated: 2025-06-10. Review status: criteria provided, single submitter. Criteria: Invitae Variant Classification Sherloc (09022015). Collection method: clinical testing. Allele origin: germline.

Ambry Genetics
Classification: Likely benign for Hereditary cancer-predisposing syndrome. Last evaluated: 2022-11-28. Review status: criteria provided, single submitter. Criteria: Ambry Variant Classification Scheme 2023. Collection method: clinical testing. Allele origin: germline.

Genome-Nilou Lab
Classification: Uncertain significance for Intellectual disability, autosomal dominant 16. Last evaluated: 2021-07-15. Review status: criteria provided, single submitter. Criteria: ACMG Guidelines, 2015. Collection method: clinical testing. Allele origin: germline. Affected: no.

NM_003072.5(SMARCA4):c.108G>A (p.Pro36=)

Gene: SMARCA4 (SWI/SNF related BAF chromatin remodeling complex subunit ATPase 4; plus strand). Cytogenetic location: 19p13.2.
Variant type: single nucleotide variant.
Coding change: c.108G>A on transcript NM_003072.5 (MANE Select); coding-DNA position 108, G replaced by A.
Protein change: p.Pro36=; no amino-acid change (proline 36 retained).
Molecular consequence: synonymous variant. On other transcripts: non-coding transcript variant (1).
Genome position (GRCh38, 1-based): chr19:10,984,259, G>A. VCF-style: chr19-10984259-G-A. GRCh37 (hg19) VCF-style: chr19-11094935-G-A.
Other names: c.108G>A, p.Pro36= (NM_001128844.3, NM_001128845.2, NM_001128846.2 and 5 more transcripts).
Identifiers: ClinVar variation 480557 (VCV000480557.16), dbSNP rs372313516, ClinGen allele CA9203402.